The following is an entry in ClinVar:

ClinVar aggregate classification (germline): Pathogenic (1 of 4 stars; one submission).

Conditions:
Hereditary cancer-predisposing syndrome. Also called: Tumor predisposition; Hereditary neoplastic syndrome; Hereditary Cancer Syndrome; Neoplastic Syndromes, Hereditary. Identifiers: Orphanet 140162, MedGen C0027672, MeSH D009386, MONDO:0015356.

Submission:

Ambry Genetics
Classification: Pathogenic for Hereditary cancer-predisposing syndrome. Last evaluated: 2026-05-28. Review status: criteria provided, single submitter. Criteria: Ambry Variant Classification Scheme 2023. Collection method: clinical testing. Allele origin: germline.
Comment: The c.317delG pathogenic mutation, located in coding exon 4 of the SDHD gene, results from a deletion of one nucleotide at nucleotide position 317, causing a translational frameshift with a predicted alternate stop codon (p.G106Afs*29). This variant occurs at the 3' terminus of the gene, is not expected to trigger nonsense-mediated mRNA decay and impacts the last 34% of the protein. However, premature stop codons are typically deleterious in nature, and a significant portion of the protein is affected, and the impacted region is critical for protein function (Ambry internal data). This variant was reported in individual(s) with features consistent with SDHD-related hereditary pheochromocytoma-paraganglioma (Neumann HP et al. Cancer Res, 2009 Apr;69:3650-6). This variant is considered to be rare based on population cohorts in the Genome Aggregation Database (gnomAD). Based on the supporting evidence, this variant is interpreted as a disease-causing mutation.

Literature cited by the submitters: PubMed 19351833.

NM_003002.2(SDHD):c.317delG

Gene: SDHD (succinate dehydrogenase complex subunit D; plus strand). Cytogenetic location: 11q23.1.
Variant type: Deletion.
Coding change: c.317delG on transcript NM_003002.2; coding-DNA position 317, one base deleted (G).
Genome position (GRCh38, 1-based): chr11:112,094,807, G deleted; the last of 4 consecutive G bases (chr11:112,094,804-112,094,807); deleting any one gives the same sequence. VCF-style (leftmost placement, unchanged base first): chr11-112094803-AG-A. GRCh37 (hg19) VCF-style: chr11-111965527-AG-A.
Identifiers: ClinVar variation 4864297 (VCV004864297.1).
Genomic context (GRCh38, chr11:112,094,803, plus strand): 5'-GTATAGTCTTCTAATTTCACTGTGGTTTTTTATTGATGTTATGATTTTTTCTTTTTCTTT[AG>A]GGGCCTTGGACAAGTTGTTACTGACTATGTTCATGGGGATGCCTTGCAGAAAGCTGCCAA-3'